The following is an entry in ClinVar:

ClinVar aggregate classification (germline): Uncertain significance (1 of 4 stars; one submission).

Conditions:
46,XY sex reversal 3. Also called: SEX REVERSAL, XY, WITH OR WITHOUT ADRENAL FAILURE; 46,XY GONADAL DYSGENESIS, PARTIAL OR COMPLETE, WITH OR WITHOUT ADRENAL FAILURE; DISORDER OF SEX DEVELOPMENT, 46,XY, NR5A1-RELATED; NR5A1-related 46,XY complete gonadal dysgenesis; 46,XY SEX REVERSAL, PARTIAL OR COMPLETE, NR5A1-RELATED. Identifiers: MedGen C3489793, MONDO:0013066, OMIM 612965.

Allele frequency attached by ClinVar (database versions not stated): gnomAD exomes below 0.00001.
gnomAD v4.1: 1 of 1,600,220 alleles (0.000062%); no homozygotes.

Submission:

3billion
Classification: Uncertain significance for 46,XY sex reversal 3. Last evaluated: 2022-09-01. Review status: criteria provided, single submitter. Criteria: ACMG Guidelines, 2015. Collection method: clinical testing. Allele origin: germline. Affected: yes. Observed: 1 heterozygote.
Comment: The variant is not observed in the gnomAD v2.1.1 dataset. In silico tool predictions suggest damaging effect of the variant on gene or gene product (REVEL: 0.99; 3Cnet: 0.85). Same nucleotide change resulting in same amino acid change has been previously reported to be associated with NR5A1-related disorder (PMID: 21691958). Different missense changes at the same codon (p.Cys55Gly, p.Cys55Ser) have been reported to be associated with NR5A1-related disorder (PMID: 31513305 , 32738419). However the evidence of pathogenicity is insufficient at this time. Therefore, this variant is classified as uncertain significance according to the recommendation of ACMG/AMP guideline.

Literature cited by the submitters: PubMed 32738419; PubMed 31513305; PubMed 21691958.

NM_004959.5(NR5A1):c.164G>A (p.Cys55Tyr)

Gene: NR5A1 (nuclear receptor subfamily 5 group A member 1; minus strand). Cytogenetic location: 9q33.3.
Variant type: single nucleotide variant.
Coding change: c.164G>A on transcript NM_004959.5 (MANE Select); coding-DNA position 164, G replaced by A.
Protein change: p.Cys55Tyr; replaces cysteine 55 with tyrosine.
Molecular consequence: missense variant.
Genome position (GRCh38, 1-based): chr9:124,503,159, C>T on the plus strand (G>A on the coding strand, the complement: NR5A1 is on the minus strand). VCF-style: chr9-124503159-C-T. GRCh37 (hg19) VCF-style: chr9-127265438-C-T.
Other names: short protein forms C55Y.
Identifiers: ClinVar variation 1705428 (VCV001705428.1), dbSNP rs184724257, ClinGen allele CA199731100.